The following is an entry in ClinVar:

NM_006946.4(SPTBN2):c.4801_4816del (p.Glu1601fs)

Gene: SPTBN2 (spectrin beta, non-erythrocytic 2; minus strand). Cytogenetic location: 11q13.2.
Variant type: Deletion.
Coding change: c.4801_4816del on transcript NM_006946.4 (MANE Select); coding-DNA positions 4801 to 4816, 16 bases deleted (GAGGCCTGGATGGGCG).
Protein change: p.Glu1601fs; shifts the reading frame from glutamic acid 1601.
Molecular consequence: frameshift variant.
Genome position (GRCh38, 1-based): chr11:66,693,224-66,693,239, CGCCCATCCAGGCCTC deleted on the plus strand (GAGGCCTGGATGGGCG on the coding strand, the reverse complement: SPTBN2 is on the minus strand); deleting any 16 consecutive bases within chr11:66,693,224-66,693,243 gives the same sequence; the c. name uses the placement nearest the transcript's 3' end. VCF-style (leftmost placement, unchanged base first): chr11-66693223-TCGCCCATCCAGGCCTC-T. GRCh37 (hg19) VCF-style: chr11-66460694-TCGCCCATCCAGGCCTC-T.
Other names: c.4822_4837del, p.Glu1608fs (NM_001411025.1); short protein forms E1608fs, E1601fs.
Identifiers: ClinVar variation 2835724 (VCV002835724.3), dbSNP rs2495955585, ClinGen allele CA2739270578.
Genomic context (GRCh38, chr11:66,693,223, plus strand): 5'-CTGGGCTCTGTCCTGGCCCTCACCTTGGCCTTCTCCTGGCCCATCATGTGTAATTCCTGC[TCGCCCATCCAGGCCTC>T]CGCCTCGGCGGCATCGCGGTAGAACTGCTGGGCTCGCAGGGCATCCTCCAGTCGCTTCCC-3'

ClinVar aggregate classification (germline): Pathogenic (1 of 4 stars; one submission).

Submission:

Labcorp Genetics (formerly Invitae), Labcorp
Classification: Pathogenic. Last evaluated: 2023-02-09. Review status: criteria provided, single submitter. Criteria: Invitae Variant Classification Sherloc (09022015). Collection method: clinical testing. Allele origin: germline.
Comment: For these reasons, this variant has been classified as Pathogenic. This variant has not been reported in the literature in individuals affected with SPTBN2-related conditions. This variant is not present in population databases (gnomAD no frequency). This sequence change creates a premature translational stop signal (p.Glu1601Serfs*6) in the SPTBN2 gene. It is expected to result in an absent or disrupted protein product. Loss-of-function variants in SPTBN2 are known to be pathogenic (PMID: 28636205).

Literature cited by the submitters: PubMed 28636205.